The following is an entry in ClinVar:

NM_005751.5(AKAP9):c.7862G>A (p.Ser2621Asn)

Gene: AKAP9 (A-kinase anchoring protein 9; plus strand). Cytogenetic location: 7q21.2.
Variant type: single nucleotide variant.
Coding change: c.7862G>A on transcript NM_005751.5 (MANE Select); coding-DNA position 7862, G replaced by A.
Protein change: p.Ser2621Asn; replaces serine 2621 with asparagine.
Molecular consequence: missense variant.
Genome position (GRCh38, 1-based): chr7:92,079,995, G>A. VCF-style: chr7-92079995-G-A. GRCh37 (hg19) VCF-style: chr7-91709309-G-A.
Other names: c.2507G>A, p.Ser836Asn (NM_001379277.1); c.7838G>A, p.Ser2613Asn (NM_147185.3); short protein forms S2613N, S2621N, S836N.
Identifiers: ClinVar variation 849574 (VCV000849574.9), dbSNP rs1290337696, ClinGen allele CA368136682.

ClinVar aggregate classification (germline): Uncertain significance (1 of 4 stars; one submission).

Conditions:
Long QT syndrome (LQTS). Identifiers: MedGen C0023976, MeSH D008133, MONDO:0002442. Disease mechanism: loss of function. Inheritance: Various modes of inheritance.

Submission:

Labcorp Genetics (formerly Invitae), Labcorp
Classification: Uncertain significance for Long QT syndrome. Last evaluated: 2019-04-15. Review status: criteria provided, single submitter. Criteria: Invitae Variant Classification Sherloc (09022015). Collection method: clinical testing. Allele origin: germline.
Comment: In summary, the available evidence is currently insufficient to determine the role of this variant in disease. Therefore, it has been classified as a Variant of Uncertain Significance. Algorithms developed to predict the effect of missense changes on protein structure and function output the following: SIFT: "Tolerated"; PolyPhen-2: "Benign"; Align-GVGD: "Class C0". The asparagine amino acid residue is found in multiple mammalian species, suggesting that this missense change does not adversely affect protein function. These predictions have not been confirmed by published functional studies and their clinical significance is uncertain. This variant has not been reported in the literature in individuals with AKAP9-related conditions. This variant is not present in population databases (ExAC no frequency). This sequence change replaces serine with asparagine at codon 2621 of the AKAP9 protein (p.Ser2621Asn). The serine residue is weakly conserved and there is a small physicochemical difference between serine and asparagine.